The following is an entry in ClinVar:

ClinVar aggregate classification (germline): Uncertain significance (1 of 4 stars; one submission).

Conditions:
Predisposition to invasive fungal disease due to CARD9 deficiency (IMD103). Also called: IMMUNODEFICIENCY 103, SUSCEPTIBILITY TO FUNGAL INFECTIONS; Candidiasis, familial, 2, autosomal recessive; CARD9 IMMUNODEFICIENCY. Identifiers: Orphanet 457088, MedGen C1859353, MONDO:0008905, OMIM 212050.

Submission:

Labcorp Genetics (formerly Invitae), Labcorp
Classification: Uncertain significance for Predisposition to invasive fungal disease due to CARD9 deficiency. Last evaluated: 2022-03-02. Review status: criteria provided, single submitter. Criteria: Invitae Variant Classification Sherloc (09022015). Collection method: clinical testing. Allele origin: germline.
Comment: In summary, the available evidence is currently insufficient to determine the role of this variant in disease. Therefore, it has been classified as a Variant of Uncertain Significance. Experimental studies and prediction algorithms are not available or were not evaluated, and the functional significance of this variant is currently unknown. ClinVar contains an entry for this variant (Variation ID: 852462). This variant has not been reported in the literature in individuals affected with CARD9-related conditions. This variant is not present in population databases (gnomAD no frequency). This variant, c.923_925del, results in the deletion of 1 amino acid(s) of the CARD9 protein (p.Leu308del), but otherwise preserves the integrity of the reading frame.

NM_052813.5(CARD9):c.923_925del (p.Leu308del)

Gene: CARD9 (caspase recruitment domain family member 9; minus strand). Cytogenetic location: 9q34.3.
Variant type: Deletion.
Coding change: c.923_925del on transcript NM_052813.5 (MANE Select); coding-DNA positions 923 to 925, 3 bases deleted (TCC; older notation c.923_925delTCC).
Protein change: p.Leu308del; deletes leucine 308.
Molecular consequence: inframe deletion.
Genome position (GRCh38, 1-based): chr9:136,370,320-136,370,322, GGA deleted on the plus strand (TCC on the coding strand, the reverse complement: CARD9 is on the minus strand); deleting any 3 consecutive bases within chr9:136,370,320-136,370,324 gives the same sequence; the c. name uses the placement nearest the transcript's 3' end. VCF-style (leftmost placement, unchanged base first): chr9-136370319-CGGA-C. GRCh37 (hg19) VCF-style: chr9-139264771-CGGA-C.
Other names: c.923_925del, p.Leu308del (NM_052814.4); short protein forms L308del.
Identifiers: ClinVar variation 852462 (VCV000852462.9), dbSNP rs1833230862, ClinGen allele CA916080414.